The following is an entry in ClinVar:

NM_001792.5(CDH2):c.29C>A (p.Thr10Asn)

Gene: CDH2 (cadherin 2; minus strand). Cytogenetic location: 18q12.1.
Variant type: single nucleotide variant.
Coding change: c.29C>A on transcript NM_001792.5 (MANE Select); coding-DNA position 29, C replaced by A.
Protein change: p.Thr10Asn; replaces threonine 10 with asparagine.
Molecular consequence: missense variant.
Genome position (GRCh38, 1-based): chr18:28,176,994, G>T on the plus strand (C>A on the coding strand, the complement: CDH2 is on the minus strand). VCF-style: chr18-28176994-G-T. GRCh37 (hg19) VCF-style: chr18-25756958-G-T.
Other names: c.29C>A (NM_001792.3); short protein forms T10N.
Identifiers: ClinVar variation 1932408 (VCV001932408.6), dbSNP rs773400550, ClinGen allele CA8923863.

ClinVar aggregate classification (germline): Uncertain significance. Review status: criteria provided, multiple submitters, no conflicts (2 of 4 stars). 2 submissions from 2 submitters: Uncertain significance (2). Last evaluated 2025-12-08.

Conditions:
Inborn genetic diseases. Identifiers: MedGen C0950123, MeSH D030342.

Allele frequency attached by ClinVar (database versions not stated): gnomAD 0.00001.
gnomAD v4.1: 14 of 1,479,120 alleles (0.00095%); highest among the groups gnomAD compares: Middle Eastern, 0.071%; no homozygotes.

Submissions (2):

Labcorp Genetics (formerly Invitae), Labcorp
Classification: Uncertain significance. Last evaluated: 2025-12-08. Review status: criteria provided, single submitter. Criteria: Invitae Variant Classification Sherloc (09022015). Collection method: clinical testing. Allele origin: germline.
Comment: This sequence change replaces threonine, which is neutral and polar, with asparagine, which is neutral and polar, at codon 10 of the CDH2 protein (p.Thr10Asn). The frequency data for this variant in the population databases is considered unreliable, as metrics indicate poor data quality at this position in the gnomAD database. This variant has not been reported in the literature in individuals affected with CDH2-related conditions. ClinVar contains an entry for this variant (Variation ID: 1932408). An algorithm developed to predict the effect of missense changes on protein structure and function (PolyPhen-2) suggests that this variant is likely to be tolerated. In summary, the available evidence is currently insufficient to determine the role of this variant in disease. Therefore, it has been classified as a Variant of Uncertain Significance.

Ambry Genetics
Classification: Uncertain significance for Inborn genetic diseases. Last evaluated: 2025-04-09. Review status: criteria provided, single submitter. Criteria: Ambry Variant Classification Scheme 2023. Collection method: clinical testing. Allele origin: germline.